The following is an entry in ClinVar:

NM_145068.4(TRPV3):c.*1039T>C

Genes: TRPV3 (transient receptor potential cation channel subfamily V member 3; minus strand), SPATA22 (spermatogenesis associated 22; minus strand). Cytogenetic location: 17p13.2.
Variant type: single nucleotide variant.
Coding change: c.*1039T>C on transcript NM_145068.4 (MANE Select); 1039 bases downstream of the stop codon, T replaced by C.
Molecular consequence: 3 prime UTR variant. On other transcripts: intron variant (2).
Genome position (GRCh38, 1-based): chr17:3,512,878, A>G on the plus strand (T>C on the coding strand, the complement: TRPV3 is on the minus strand). VCF-style: chr17-3512878-A-G. GRCh37 (hg19) VCF-style: chr17-3416172-A-G.
Other names: c.*1039T>C (NM_001258205.2); c.-74+534T>C (NM_001321336.2, NM_001321337.2).
Identifiers: ClinVar variation 322728 (VCV000322728.8), dbSNP rs10852860, ClinGen allele CA10645362.

ClinVar aggregate classification (germline): Benign. Review status: criteria provided, multiple submitters, no conflicts (2 of 4 stars). 2 submissions from 2 submitters: Benign (2). Last evaluated 2018-01-13.

Conditions:
Isolated focal non-epidermolytic palmoplantar keratoderma. Also called: Palmoplantar keratoderma, nonepidermolytic, focal 2. Identifiers: Orphanet 448264, MedGen C4225339, MONDO:0014622, OMIM 616400.

Allele frequency attached by ClinVar (database versions not stated): gnomAD 0.50746 and 0.52065; TOPMed 0.51440; 1000 Genomes Project 0.56490; gnomAD exomes 1.00000; 1000 Genomes Project 30x 0.56059.
gnomAD v4.1: 79,278 of 152,054 alleles (52%); highest among the groups gnomAD compares: South Asian, 73%; 22,237 homozygotes.

Submissions (2):

Illumina Laboratory Services, Illumina
Classification: Benign for Isolated focal non-epidermolytic palmoplantar keratoderma. Last evaluated: 2018-01-13. Review status: criteria provided, single submitter. Criteria: ICSL Variant Classification Criteria 13 December 2019. Collection method: clinical testing. Allele origin: germline.
Comment: This variant was observed in the ICSL laboratory as part of a predisposition screen in an ostensibly healthy population. It had not been previously curated by ICSL or reported in the Human Gene Mutation Database (HGMD: prior to June 1st, 2018), and was therefore a candidate for classification through an automated scoring system. Utilizing variant allele frequency, disease prevalence and penetrance estimates, and inheritance mode, an automated score was calculated to assess if this variant is too frequent to cause the disease. Based on the score and internal cut-off values, a variant classified as benign is not then subjected to further curation. The score for this variant resulted in a classification of benign for this disease.

Breakthrough Genomics
Classification: Benign. Review status: criteria provided, single submitter. Criteria: ACMG Guidelines, 2015. Collection method: not provided. Allele origin: germline. Inheritance: Autosomal dominant inheritance. Affected: yes.